The following is an entry in ClinVar:

ClinVar aggregate classification (germline): Uncertain significance (1 of 4 stars; one submission).

Conditions:
Klippel-Feil syndrome 1, autosomal dominant (KFS1). Also called: CERVICAL VERTEBRAL FUSION, AUTOSOMAL DOMINANT. Identifiers: Orphanet 2345, MedGen C1861689, MONDO:0007306, OMIM 118100.
Leber congenital amaurosis 17 (LCA17). Identifiers: Orphanet 65, MedGen C3715164, MONDO:0014145, OMIM 615360.
Isolated microphthalmia 4. Identifiers: Orphanet 2542, MedGen C2751307, MONDO:0013130, OMIM 613094.
Microphthalmia, isolated, with coloboma 6 (MCOPCB6). Also called: Microphthalmia with coloboma 6, digenic; Microphthalmia with coloboma 6; MICROPHTHALMIA/COLOBOMA 6. Identifiers: Orphanet 98938, MedGen C3150968, MONDO:0013376, OMIM 613703.

Allele frequency attached by ClinVar (database versions not stated): TOPMed 0.00010; ExAC 0.00004.

Submission:

Labcorp Genetics (formerly Invitae), Labcorp
Classification: Uncertain significance for Isolated microphthalmia 4; Leber congenital amaurosis 17; Klippel-Feil syndrome 1, autosomal dominant; Microphthalmia, isolated, with coloboma 6. Last evaluated: 2025-06-11. Review status: criteria provided, single submitter. Criteria: Invitae Variant Classification Sherloc (09022015). Collection method: clinical testing. Allele origin: germline.
Comment: This sequence change replaces methionine, which is neutral and non-polar, with threonine, which is neutral and polar, at codon 154 of the GDF6 protein (p.Met154Thr). This variant is present in population databases (rs763310577, gnomAD 0.04%). This variant has not been reported in the literature in individuals affected with GDF6-related conditions. ClinVar contains an entry for this variant (Variation ID: 2082815). Invitae Evidence Modeling of protein sequence and biophysical properties (such as structural, functional, and spatial information, amino acid conservation, physicochemical variation, residue mobility, and thermodynamic stability) indicates that this missense variant is not expected to disrupt GDF6 protein function with a negative predictive value of 80%. In summary, the available evidence is currently insufficient to determine the role of this variant in disease. Therefore, it has been classified as a Variant of Uncertain Significance.

NM_001001557.4(GDF6):c.461T>C (p.Met154Thr)

Gene: GDF6 (growth differentiation factor 6; minus strand). Cytogenetic location: 8q22.1.
Variant type: single nucleotide variant.
Coding change: c.461T>C on transcript NM_001001557.4 (MANE Select); coding-DNA position 461, T replaced by C.
Protein change: p.Met154Thr; replaces methionine 154 with threonine.
Molecular consequence: missense variant.
Genome position (GRCh38, 1-based): chr8:96,145,470, A>G on the plus strand (T>C on the coding strand, the complement: GDF6 is on the minus strand). VCF-style: chr8-96145470-A-G. GRCh37 (hg19) VCF-style: chr8-97157698-A-G.
Other names: short protein forms M154T.
Identifiers: ClinVar variation 2082815 (VCV002082815.4), dbSNP rs763310577, ClinGen allele CA4815452.